The following is an entry in ClinVar:

ClinVar aggregate classification (germline): Uncertain significance (1 of 4 stars; one submission).

gnomAD v4.1: 4 of 1,613,798 alleles (0.00025%); highest among the groups gnomAD compares: African/African-American, 0.0053%; no homozygotes.

Submission:

Labcorp Genetics (formerly Invitae), Labcorp
Classification: Uncertain significance. Last evaluated: 2025-09-28. Review status: criteria provided, single submitter. Criteria: Invitae Variant Classification Sherloc (09022015). Collection method: clinical testing. Allele origin: germline.
Comment: This sequence change replaces glutamic acid, which is acidic and polar, with glycine, which is neutral and non-polar, at codon 1203 of the FAT2 protein (p.Glu1203Gly). This variant is present in population databases (rs775657945, gnomAD 0.02%). This variant has not been reported in the literature in individuals affected with FAT2-related conditions. Invitae Evidence Modeling of protein sequence and biophysical properties (such as structural, functional, and spatial information, amino acid conservation, physicochemical variation, residue mobility, and thermodynamic stability) indicates that this missense variant is not expected to disrupt FAT2 protein function with a negative predictive value of 80%. In summary, the available evidence is currently insufficient to determine the role of this variant in disease. Therefore, it has been classified as a Variant of Uncertain Significance.

NM_001447.3(FAT2):c.3608A>G (p.Glu1203Gly)

Gene: FAT2 (FAT atypical cadherin 2; minus strand). Cytogenetic location: 5q33.1.
Variant type: single nucleotide variant.
Coding change: c.3608A>G on transcript NM_001447.3 (MANE Select); coding-DNA position 3608, A replaced by G.
Protein change: p.Glu1203Gly; replaces glutamic acid 1203 with glycine.
Molecular consequence: missense variant.
Genome position (GRCh38, 1-based): chr5:151,556,369, T>C on the plus strand (A>G on the coding strand, the complement: FAT2 is on the minus strand). VCF-style: chr5-151556369-T-C. GRCh37 (hg19) VCF-style: chr5-150935930-T-C.
Other names: short protein forms E1203G.
Identifiers: ClinVar variation 4692935 (VCV004692935.1).